The following is an entry in ClinVar:

NM_030662.4(MAP2K2):c.956T>C (p.Phe319Ser)

Gene: MAP2K2 (mitogen-activated protein kinase kinase 2; minus strand). Cytogenetic location: 19p13.3.
Variant type: single nucleotide variant.
Coding change: c.956T>C on transcript NM_030662.4 (MANE Select); coding-DNA position 956, T replaced by C.
Protein change: p.Phe319Ser; replaces phenylalanine 319 with serine.
Molecular consequence: missense variant.
Genome position (GRCh38, 1-based): chr19:4,097,307, A>G on the plus strand (T>C on the coding strand, the complement: MAP2K2 is on the minus strand). VCF-style: chr19-4097307-A-G. GRCh37 (hg19) VCF-style: chr19-4097305-A-G.
Other names: short protein forms F319S.
Identifiers: ClinVar variation 2807965 (VCV002807965.3), dbSNP rs2512305332, ClinGen allele CA403383986.

ClinVar aggregate classification (germline): Uncertain significance (1 of 4 stars; one submission).

Conditions:
RASopathy. Also called: rasopathies; Noonan spectrum disorder. Identifiers: Orphanet 536391, MedGen C5555857, MONDO:0021060.

Submission:

Labcorp Genetics (formerly Invitae), Labcorp
Classification: Uncertain significance for RASopathy. Last evaluated: 2023-05-11. Review status: criteria provided, single submitter. Criteria: Invitae Variant Classification Sherloc (09022015). Collection method: clinical testing. Allele origin: germline.
Comment: This sequence change replaces phenylalanine, which is neutral and non-polar, with serine, which is neutral and polar, at codon 319 of the MAP2K2 protein (p.Phe319Ser). This variant is not present in population databases (gnomAD no frequency). This variant has not been reported in the literature in individuals affected with MAP2K2-related conditions. In summary, the available evidence is currently insufficient to determine the role of this variant in disease. Therefore, it has been classified as a Variant of Uncertain Significance. Advanced modeling of protein sequence and biophysical properties (such as structural, functional, and spatial information, amino acid conservation, physicochemical variation, residue mobility, and thermodynamic stability) has been performed at Invitae for this missense variant, however the output from this modeling did not meet the statistical confidence thresholds required to predict the impact of this variant on MAP2K2 protein function.